The following is an entry in ClinVar:

ClinVar aggregate classification (germline): Uncertain significance (1 of 4 stars; one submission).

Conditions:
Peroxisome biogenesis disorder 11A (Zellweger). Also called: Peroxisome biogenesis disorder 11A. Identifiers: Orphanet 912, MedGen C3554000, MONDO:0013949, OMIM 614883.

Submission:

Labcorp Genetics (formerly Invitae), Labcorp
Classification: Uncertain significance for Peroxisome biogenesis disorder 11A (Zellweger). Last evaluated: 2021-06-08. Review status: criteria provided, single submitter. Criteria: Invitae Variant Classification Sherloc (09022015). Collection method: clinical testing. Allele origin: germline.
Comment: In summary, the available evidence is currently insufficient to determine the role of this variant in disease. Therefore, it has been classified as a Variant of Uncertain Significance. This sequence change replaces glycine with arginine at codon 335 of the PEX13 protein (p.Gly335Arg). The glycine residue is highly conserved and there is a moderate physicochemical difference between glycine and arginine. This variant is not present in population databases (ExAC no frequency). This variant has not been reported in the literature in individuals with PEX13-related conditions. Algorithms developed to predict the effect of missense changes on protein structure and function are either unavailable or do not agree on the potential impact of this missense change (SIFT: "Tolerated"; PolyPhen-2: "Probably Damaging"; Align-GVGD: "Class C0").

NM_002618.4(PEX13):c.1003G>C (p.Gly335Arg)

Gene: PEX13 (peroxisomal biogenesis factor 13; plus strand). Cytogenetic location: 2p15.
Variant type: single nucleotide variant.
Coding change: c.1003G>C on transcript NM_002618.4 (MANE Select); coding-DNA position 1003, G replaced by C.
Protein change: p.Gly335Arg; replaces glycine 335 with arginine.
Molecular consequence: missense variant.
Genome position (GRCh38, 1-based): chr2:61,048,561, G>C. VCF-style: chr2-61048561-G-C. GRCh37 (hg19) VCF-style: chr2-61275696-G-C.
Other names: short protein forms G335R.
Identifiers: ClinVar variation 1445719 (VCV001445719.8), dbSNP rs1680746099, ClinGen allele CA346949762.
Genomic context (GRCh38, chr2:61,048,561, plus strand): 5'-CTGGCTAGCCTTGATGGCCAAACAACAGGACTTATACCTGCGAATTATGTCAAAATTCTT[G>C]GCAAAAGAAAAGGTAGGAAAACGGTGGAATCAAGTAAAGTTTCCAAGCAGCAACAATCTT-3'
Protein context (NP_002609.1, residues 325-345): LIPANYVKIL[Gly335Arg]KRKGRKTVES